The following is an entry in ClinVar:

NM_001370658.1(BTD):c.1277T>C (p.Leu426Pro)

Gene: BTD (biotinidase; plus strand). Cytogenetic location: 3p25.1.
Variant type: single nucleotide variant.
Coding change: c.1277T>C on transcript NM_001370658.1 (MANE Select); coding-DNA position 1277, T replaced by C.
Protein change: p.Leu426Pro; replaces leucine 426 with proline.
Molecular consequence: missense variant. On other transcripts: intron variant (8).
Genome position (GRCh38, 1-based): chr3:15,645,193, T>C. VCF-style: chr3-15645193-T-C. GRCh37 (hg19) VCF-style: chr3-15686700-T-C.
Other names: c.1277T>C, p.Leu426Pro (NM_001281723.4, NM_001281724.3, NM_001281725.3 and 16 more transcripts); c.1015+262T>C (NM_001370752.1, NM_001407379.1); c.399+3136T>C (NM_001370753.1, NM_001407400.1, NM_001407401.1 and 3 more transcripts); short protein forms L426P.
Identifiers: ClinVar variation 5003149 (VCV005003149.1).

ClinVar aggregate classification (germline): Uncertain significance. Review status: criteria provided, multiple submitters, no conflicts (2 of 4 stars). 2 submissions from 2 submitters: Uncertain significance (2). Last evaluated 2026-08-06.

Conditions:
Biotinidase deficiency. Also called: BTD deficiency; Late-onset biotin-responsive multiple carboxylase deficiency; Biotin deficiency. Identifiers: Orphanet 79241, MedGen C0220754, MONDO:0009665, OMIM 253260.

Submissions (2):

OLLIN Analises Genomicas, OLLIN
Classification: Uncertain significance for Biotinidase deficiency. Last evaluated: 2026-08-06. Review status: criteria provided, single submitter. Criteria: ACMG Guidelines 2015 PMID 25741868. Collection method: clinical testing. Allele origin: germline. Inheritance: Autosomal recessive inheritance.
Comment: This missense variant, located in exon 4 (of 4), is absent from gnomAD and ClinVar and has not been identified in the literature. In silico analysis is inconclusive regarding the impact of this variant. This variant is located in a region considered to be a mutational hotspot. According to the currently available evidence, this variant has been classified as uncertain significance (PM1, PM2_P, PM3_M).

Myriad Genetics, Inc.
Classification: Uncertain significance for Biotinidase deficiency. Last evaluated: 2026-01-23. Review status: criteria provided, single submitter. Criteria: Myriad Autosomal Dominant, Autosomal Recessive and X-Linked Classification Criteria (2023). Collection method: clinical testing. Allele origin: unknown.
Comment: NM_000060.2(BTD):c.1337T>C(L446P) is a missense variant classified as a variant of uncertain significance in the context of biotinidase deficiency. L446P has been observed in a case with relevant disease (PMID: 28498829). Relevant functional assessments of this variant are available in the literature (PMID: 31337602). L446P has not been observed in referenced population frequency databases. In summary, there is insufficient evidence to classify NM_000060.2(BTD):c.1337T>C(L446P) as pathogenic or benign. Please note: this variant was assessed in the context of healthy population screening.

Literature cited by the submitters: PubMed 28498829 (cited by Myriad Genetics, Inc.); PubMed 31337602 (cited by Myriad Genetics, Inc.).